The following is an entry in ClinVar:

NM_015978.3(TNNI3K):c.503del (p.Phe168fs)

Genes: TNNI3K (TNNI3 interacting kinase; plus strand), FPGT-TNNI3K (FPGT-TNNI3K readthrough; plus strand). Cytogenetic location: 1p31.1.
Variant type: Deletion.
Coding change: c.503del on transcript NM_015978.3 (MANE Select); coding-DNA position 503, one base deleted (T; older notation c.503delT).
Protein change: p.Phe168fs; shifts the reading frame from phenylalanine 168.
Molecular consequence: frameshift variant.
Genome position (GRCh38, 1-based): chr1:74,331,508, T deleted; the last of 7 consecutive T bases (chr1:74,331,502-74,331,508); deleting any one gives the same sequence. VCF-style (leftmost placement, unchanged base first): chr1-74331501-GT-G. GRCh37 (hg19) VCF-style: chr1-74797185-GT-G.
Other names: c.503delT (NM_015978.2); c.806del, p.Phe269fs (NM_001112808.3, NM_001199327.2); short protein forms F168fs, F269fs.
Identifiers: ClinVar variation 1307802 (VCV001307802.9), dbSNP rs751624085, ClinGen allele CA908921.
Genomic context (GRCh38, chr1:74,331,501, plus strand): 5'-CTTGTCCAGGCTGCTGATGTGCTGTTGCAACATGGAGCTAATGTCAATATTCAAGATGCA[GT>G]TTTTTTCACTCCATTGCATATTGCAGCGTACTATGGACATGAACAGGTAAGTCTGACAGT-3'

ClinVar aggregate classification (germline): Uncertain significance. Review status: criteria provided, multiple submitters, no conflicts (2 of 4 stars). 4 submissions from 4 submitters: Uncertain significance (4). Last evaluated 2025-12-24.

Conditions:
Atrial conduction disease. Identifiers: Orphanet 436242, MedGen CN221670, MONDO:0014500.
TNNI3K-related disorder. Also called: TNNI3K-related condition.

Submissions (4):

Labcorp Genetics (formerly Invitae), Labcorp
Classification: Uncertain significance. Last evaluated: 2025-12-24. Review status: criteria provided, single submitter. Criteria: Invitae Variant Classification Sherloc (09022015). Collection method: clinical testing. Allele origin: germline.
Comment: This sequence change creates a premature translational stop signal (p.Phe168Serfs*15) in the TNNI3K gene. It is expected to result in an absent or disrupted protein product. However, the current clinical and genetic evidence is not sufficient to establish whether loss-of-function variants in TNNI3K cause disease. The frequency data for this variant in the population databases is considered unreliable, as metrics indicate poor data quality at this position in the gnomAD database. This variant has not been reported in the literature in individuals affected with TNNI3K-related conditions. ClinVar contains an entry for this variant (Variation ID: 1307802). Experimental studies and prediction algorithms are not available or were not evaluated, and the functional significance of this variant is currently unknown. In summary, the available evidence is currently insufficient to determine the role of this variant in disease. Therefore, it has been classified as a Variant of Uncertain Significance.

PreventionGenetics, part of Exact Sciences
Classification: Uncertain significance for TNNI3K-related condition. Last evaluated: 2023-05-24. Review status: criteria provided, single submitter. Criteria: ACMG Guidelines, 2015. Collection method: clinical testing. Allele origin: germline.
Comment: The TNNI3K c.503delT variant is predicted to result in a frameshift and premature protein termination (p.Phe168Serfs*15). To our knowledge, this variant has not been reported in the literature. This variant is reported in 0.0062% of alleles in individuals of African descent in gnomAD. At this time, the clinical significance of this variant is uncertain due to the absence of conclusive functional and genetic evidence.

Genome-Nilou Lab
Classification: Uncertain significance for Cardiac conduction disease with or without dilated cardiomyopathy 1. Last evaluated: 2023-04-11. Review status: criteria provided, single submitter. Criteria: ACMG Guidelines, 2015. Collection method: clinical testing. Allele origin: germline. Affected: no.

GeneDx
Classification: Uncertain significance. Last evaluated: 2019-08-08. Review status: criteria provided, single submitter. Criteria: GeneDx Variant Classification Process June 2021. Collection method: clinical testing. Allele origin: germline. Affected: yes.
Comment: Frameshift variant predicted to result in protein truncation or nonsense mediated decay in a gene for which loss-of-function is not a known mechanism of disease; Has not been previously published as pathogenic or benign to our knowledge